The following is an entry in ClinVar:

NM_014874.4(MFN2):c.821G>A (p.Arg274Gln)

Gene: MFN2 (mitofusin 2; plus strand). Cytogenetic location: 1p36.22.
Variant type: single nucleotide variant.
Coding change: c.821G>A on transcript NM_014874.4 (MANE Select); coding-DNA position 821, G replaced by A.
Protein change: p.Arg274Gln; replaces arginine 274 with glutamine.
Molecular consequence: missense variant.
Genome position (GRCh38, 1-based): chr1:12,001,405, G>A. VCF-style: chr1-12001405-G-A. GRCh37 (hg19) VCF-style: chr1-12061462-G-A.
Other names: NM_001127660.2:c.821G>A; c.821G>A, p.Arg274Gln (NM_001127660.2); short protein forms R274Q.
Identifiers: ClinVar variation 637300 (VCV000637300.8), dbSNP rs768407445, ClinGen allele CA598949.

ClinVar aggregate classification (germline): Conflicting classifications of pathogenicity. Review status: criteria provided, conflicting classifications (1 of 4 stars). 6 submissions from 6 submitters: Likely pathogenic (1); Uncertain significance (4). 1 of the submissions does not count toward it. Last evaluated 2026-08-12.

Conditions:
Charcot-Marie-Tooth disease. Also called: Charcot-Marie-Tooth Neuropathy; Charcot-Marie-Tooth Hereditary Neuropathy. Identifiers: Orphanet 166, MedGen C0007959, MONDO:0015626.
MFN2-related disorder. Also called: MFN2-related condition; MFN2-related disorders.
Charcot-Marie-Tooth disease type 2. Also called: Charcot-Marie-Tooth type 2. Identifiers: Orphanet 64746, MedGen C0270914, MONDO:0018993.
Charcot-Marie-Tooth disease type 2A2. Also called: Charcot-Marie-Tooth Neuropathy Type 2A2; CHARCOT-MARIE-TOOTH DISEASE, AXONAL, AUTOSOMAL DOMINANT, TYPE 2A2A; CHARCOT-MARIE-TOOTH DISEASE, AXONAL, TYPE 2A2; CHARCOT-MARIE-TOOTH DISEASE, NEURONAL, TYPE 2A2; HEREDITARY MOTOR AND SENSORY NEUROPATHY IIA2; HMSN IIA2. Identifiers: Orphanet 99947, MedGen C4721887, MONDO:0012231, OMIM 609260.

Allele frequency attached by ClinVar (database versions not stated): ExAC 0.00001; TOPMed 0.00001; gnomAD exomes 0.00002; gnomAD 0.00003.
gnomAD v4.1: 17 of 1,613,360 alleles (0.0011%); highest among the groups gnomAD compares: Middle Eastern, 0.017%; no homozygotes.

Submissions (6):

Broad Center for Mendelian Genomics, Broad Institute of MIT and Harvard
Classification: Uncertain significance for Charcot-Marie-Tooth disease type 2A2. Last evaluated: 2026-08-12. Review status: criteria provided, single submitter. Criteria: ACMG Guidelines, 2015. Collection method: research. Allele origin: germline. Inheritance: Autosomal dominant inheritance. Study: GREGoR Consortium.
Comment: The p.Arg274Gln variant in MFN2 has been reported in 2 individuals with Charcot-Marie-Tooth disease (PMID: 26581383, 30442897), and has been identified in 0.017% (1/5850) of Middle Eastern chromosomes by the Genome Aggregation Database (gnomAD; dbSNP rs768407445). Although this variant has been seen in the general population in a heterozygous state, its frequency is not high enough to rule out a pathogenic role. The number of reported affected individuals with this variant is slightly greater than expected compared to non-affected individuals with this variant. This variant has been reported in ClinVar (Variation ID: 637300) and has been interpreted as likely pathogenic by Labcorp Genetics (formerly Invitae), and a variant of uncertain significance by GeneDx and Inherited Neuropathy Consortium. This variant is assumed de novo in 1 individual, but maternity and paternity have not been confirmed (PMID: 26581383). In vitro functional studies provide some evidence that the p.Arg274Gln variant may impact protein function (PMID: 30442897). However, these types of assays may not accurately represent biological function. Computational prediction tools and conservation analyses suggest that this variant may impact the protein, though this information is not predictive enough to determine pathogenicity. One additional pathogenic variant, resulting in a different amino acid change at the same position, p.Arg274Trp, has been reported in association with disease in the literature and ClinVar, supporting that a change at this position may not be tolerated (Variation ID: 1456072, PMID: 30442897). The number of missense variants reported in MFN2 in the general population is lower than expected, suggesting there is little benign variation in this gene and slightly increasing the possibility that a missense variant in this gene may not be tolerated. In summary, while there is some suspicion for a pathogenic role, the clinical significance of this variant is uncertain. ACMG/AMP Criteria applied: PM5_supporting, PP2, PP3, PS3_supporting, PS4_supporting (Richards 2015).

PreventionGenetics, part of Exact Sciences
Classification: Uncertain significance for MFN2-related condition. Last evaluated: 2026-08-06. Review status: criteria provided, single submitter. Criteria: ACMG Guidelines, 2015. Collection method: clinical testing. Allele origin: germline.
Comment: The MFN2 c.821G>A variant is predicted to result in the amino acid substitution p.Arg274Gln. This variant has been reported in the heterozygous state in individuals with Charcot-Marie-Tooth disease type 2A (CMT2A) (Table S2, Züchner et al. 2004. PubMed ID: 15064763; Beręsewicz et al. 2018. PubMed ID: 30442897) and in four members of a family with dilated cardiomyopathy (Franco et al. 2023. PubMed ID: 37910431). In vitro studies using mouse embryonic fibroblasts have demonstrated that expression of this variant does not result in mitochondrial aggregation and is able to restore mitochondrial morphology in MFN2-null cells (Detmer et al. 2007. PubMed ID: 17296794). This variant is reported in 0.0047% of alleles in individuals of European (Non-Finnish) descent in gnomAD. A different missense change impacting the same amino acid (p.Arg274Trp) has been reported in an individual with early-onset CMT2A (Beręsewicz et al. 2018. PubMed ID: 30442897). Although we suspect this variant could be pathogenic, at this time, the clinical significance of the c.871G>A (p.Arg274Gln) variant is uncertain due to the absence of conclusive functional and genetic evidence.

Labcorp Genetics (formerly Invitae), Labcorp
Classification: Likely pathogenic for Charcot-Marie-Tooth disease type 2. Last evaluated: 2024-01-25. Review status: criteria provided, single submitter. Criteria: Invitae Variant Classification Sherloc (09022015). Collection method: clinical testing. Allele origin: germline.
Comment: This sequence change replaces arginine, which is basic and polar, with glutamine, which is neutral and polar, at codon 274 of the MFN2 protein (p.Arg274Gln). This variant is present in population databases (rs768407445, gnomAD 0.004%). This missense change has been observed in individual(s) with autosomal dominant Charcot-Marie-Tooth disease (PMID: 15064763). ClinVar contains an entry for this variant (Variation ID: 637300). Advanced modeling of protein sequence and biophysical properties (such as structural, functional, and spatial information, amino acid conservation, physicochemical variation, residue mobility, and thermodynamic stability) performed at Invitae indicates that this missense variant is expected to disrupt MFN2 protein function with a positive predictive value of 95%. This variant disrupts the p.Arg274 amino acid residue in MFN2. Other variant(s) that disrupt this residue have been determined to be pathogenic (PMID: 26581383). This suggests that this residue is clinically significant, and that variants that disrupt this residue are likely to be disease-causing. In summary, the currently available evidence indicates that the variant is pathogenic, but additional data are needed to prove that conclusively. Therefore, this variant has been classified as Likely Pathogenic.

GeneDx
Classification: Uncertain significance. Last evaluated: 2023-11-25. Review status: criteria provided, single submitter. Criteria: GeneDx Variant Classification Process June 2021. Collection method: clinical testing. Allele origin: germline. Affected: yes.
Comment: Reported previously in a family with Charcot-Marie-Tooth disease and onset of lower limb distal weakness, atrophy, and sensory loss in the second decade (PMID: 15064763); In silico analysis supports that this missense variant has a deleterious effect on protein structure/function; This variant is associated with the following publications: (PMID: 34426522, 15549395, 24863639, 30442897, 35399520, 17296794, 15064763)

Blueprint Genetics
Classification: Uncertain significance. Last evaluated: 2022-09-09. Review status: criteria provided, single submitter. Criteria: ACMG Guidelines, 2015. Collection method: clinical testing. Allele origin: germline.

Inherited Neuropathy Consortium
Classification: Uncertain significance for Charcot-Marie-Tooth disease. Review status: no assertion criteria provided. Collection method: literature only. Allele origin: germline. Affected: yes. Not counted in ClinVar's aggregate classification.

Literature cited by the submitters: PubMed 30442897 (cited by Broad Center for Mendelian Genomics, Broad Institute of MIT and Harvard); PubMed 15064763 (cited by Labcorp Genetics (formerly Invitae), Labcorp); PubMed 26581383 (cited by Labcorp Genetics (formerly Invitae), Labcorp); PubMed 15549395 (cited by Inherited Neuropathy Consortium).